The following is an entry in ClinVar:

NM_017514.5(PLXNA3):c.4210C>T (p.Leu1404=)

Gene: PLXNA3 (plexin A3; plus strand). Cytogenetic location: Xq28.
Variant type: single nucleotide variant.
Coding change: c.4210C>T on transcript NM_017514.5 (MANE Select); coding-DNA position 4210, C replaced by T.
Protein change: p.Leu1404=; no amino-acid change (leucine 1404 retained).
Molecular consequence: synonymous variant.
Genome position (GRCh38, 1-based): chrX:154,468,549, C>T. VCF-style: chrX-154468549-C-T. GRCh37 (hg19) VCF-style: chrX-153696892-C-T.
Identifiers: ClinVar variation 4987623 (VCV004987623.1).

ClinVar aggregate classification (germline): Likely benign (1 of 4 stars; one submission).

Conditions:
PLXNA3-related disorder. Also called: PLXNA3-related condition.

Submission:

PreventionGenetics, part of Exact Sciences
Classification: Likely benign for PLXNA3-related condition. Last evaluated: 2025-06-26. Review status: criteria provided, single submitter. Criteria: ACMG Guidelines, 2015. Collection method: clinical testing. Allele origin: germline.
Comment: This variant is classified as likely benign based on ACMG/AMP sequence variant interpretation guidelines (Richards et al. 2015 PMID: 25741868, with internal and published modifications).